The following is an entry in ClinVar:

ClinVar aggregate classification (germline): Uncertain significance. Review status: criteria provided, multiple submitters, no conflicts (2 of 4 stars). 3 submissions from 3 submitters: Uncertain significance (3). Last evaluated 2025-01-18.

Conditions:
Inborn genetic diseases. Identifiers: MedGen C0950123, MeSH D030342.
Neutropenia, severe congenital, 1, autosomal dominant. Identifiers: MedGen C1859966, MONDO:0042490, OMIM 202700.
Cyclical neutropenia. Also called: Cyclic hematopoiesis; Cyclic Neutropenia. Identifiers: Orphanet 2686, MedGen C0221023, MONDO:0008090, OMIM 162800, HP:0040289. Disease mechanism: loss of function.

Allele frequency attached by ClinVar (database versions not stated): ExAC 0.00001.

Submissions (3):

Ambry Genetics
Classification: Uncertain significance for Inborn genetic diseases. Last evaluated: 2025-01-18. Review status: criteria provided, single submitter. Criteria: Ambry Variant Classification Scheme 2023. Collection method: clinical testing. Allele origin: germline.
Comment: The p.R96W variant (also known as c.286C>T), located in coding exon 3 of the ELANE gene, results from a C to T substitution at nucleotide position 286. The arginine at codon 96 is replaced by tryptophan, an amino acid with dissimilar properties. This amino acid position is conserved. In addition, the in silico prediction for this alteration is inconclusive. Based on the available evidence, the clinical significance of this variant remains unclear.

Labcorp Genetics (formerly Invitae), Labcorp
Classification: Uncertain significance for Neutropenia, severe congenital, 1, autosomal dominant; Cyclical neutropenia. Last evaluated: 2024-08-08. Review status: criteria provided, single submitter. Criteria: Invitae Variant Classification Sherloc (09022015). Collection method: clinical testing. Allele origin: germline.
Comment: This sequence change replaces arginine, which is basic and polar, with tryptophan, which is neutral and slightly polar, at codon 96 of the ELANE protein (p.Arg96Trp). This variant is present in population databases (rs777652186, gnomAD 0.007%). This variant has not been reported in the literature in individuals affected with ELANE-related conditions. ClinVar contains an entry for this variant (Variation ID: 1011778). Advanced modeling of protein sequence and biophysical properties (such as structural, functional, and spatial information, amino acid conservation, physicochemical variation, residue mobility, and thermodynamic stability) performed at Invitae indicates that this missense variant is not expected to disrupt ELANE protein function with a negative predictive value of 80%. In summary, the available evidence is currently insufficient to determine the role of this variant in disease. Therefore, it has been classified as a Variant of Uncertain Significance.

GeneDx
Classification: Uncertain significance. Last evaluated: 2019-05-13. Review status: criteria provided, single submitter. Criteria: GeneDx Variant Classification Process June 2021. Collection method: clinical testing. Allele origin: germline. Affected: yes.
Comment: In silico analysis, which includes protein predictors and evolutionary conservation, supports a deleterious effect; Has not been previously published as pathogenic or benign to our knowledge

NM_001972.4(ELANE):c.286C>T (p.Arg96Trp)

Gene: ELANE (elastase, neutrophil expressed; plus strand). Cytogenetic location: 19p13.3.
Variant type: single nucleotide variant.
Coding change: c.286C>T on transcript NM_001972.4 (MANE Select); coding-DNA position 286, C replaced by T.
Protein change: p.Arg96Trp; replaces arginine 96 with tryptophan.
Molecular consequence: missense variant.
Genome position (GRCh38, 1-based): chr19:853,323, C>T. VCF-style: chr19-853323-C-T. GRCh37 (hg19) VCF-style: chr19-853323-C-T.
Other names: short protein forms R96W.
Identifiers: ClinVar variation 1011778 (VCV001011778.14), dbSNP rs777652186, ClinGen allele CA9025994.